The following is an entry in ClinVar:

ClinVar aggregate classification (germline): Uncertain significance (1 of 4 stars; one submission).

Submission:

ISCA site 4
Classification: Uncertain significance. Last evaluated: 2011-08-12. Review status: criteria provided, single submitter. Criteria: Kaminsky et al. (Genet Med. 2011). Collection method: clinical testing. Allele origin: maternal. Affected: yes. Observed: 1 variant allele.
Comment: Copy number variation identified through the course of routine clinical cytogenomic testing in postnatal populations. Clinical assertions have been curated as described in Kaminsky et al. 2011.

GRCh38/hg38 8p23.2-23.1(chr8:4975829-7022841)x3

Genes: DEFA1 (defensin alpha 1; minus strand), DEFA1B (defensin alpha 1B; minus strand), DEFA3 (defensin alpha 3; minus strand), DEFA4 (defensin alpha 4; minus strand), DEFA6 (defensin alpha 6; minus strand) and 51 more. Cytogenetic location: 8p23.2-23.1.
Variant type: copy number gain.
Change: copy number 3 (three copies instead of two) of chr8:4,975,829-7,022,841 (2.05 Mb, GRCh38 coordinates, 1-based), cytogenetic band 8p23.2-23.1.
Identifiers: ClinVar variation 57380 (VCV000057380.2).